The following is an entry in ClinVar:

NM_015909.4(NBAS):c.3817+3A>G

Gene: NBAS (NBAS subunit of NRZ tethering complex; minus strand). Cytogenetic location: 2p24.3.
Variant type: single nucleotide variant.
Coding change: c.3817+3A>G on transcript NM_015909.4 (MANE Select); 3 bases into the intron after coding-DNA position 3817, A replaced by G.
Molecular consequence: intron variant.
Genome position (GRCh38, 1-based): chr2:15,366,577, T>C on the plus strand (A>G on the coding strand, the complement: NBAS is on the minus strand). VCF-style: chr2-15366577-T-C. GRCh37 (hg19) VCF-style: chr2-15506701-T-C.
Identifiers: ClinVar variation 2090612 (VCV002090612.1), dbSNP rs775699852, ClinGen allele CA1535904.
Genomic context (GRCh38, chr2:15,366,577, plus strand): 5'-CTGCAATGATGTCAAGAATAACATAGAAAGCTTATTCTGCAGTTTAGTACTCAAAAGACT[T>C]ACCTGCAACCCTCAGCAGCTCAGCAAGGCCCAGAAGCTTGGTGGATTGTTTATAGCATGT-3'

ClinVar aggregate classification (germline): Uncertain significance (1 of 4 stars; one submission).

Allele frequency attached by ClinVar (database versions not stated): gnomAD exomes below 0.00001; TOPMed below 0.00001; gnomAD 0.00001; ExAC 0.00002.
gnomAD v4.1: 8 of 1,612,178 alleles (0.0005%); highest among the groups gnomAD compares: Non-Finnish European, 0.00051%; no homozygotes.

Submission:

Labcorp Genetics (formerly Invitae), Labcorp
Classification: Uncertain significance. Last evaluated: 2022-02-21. Review status: criteria provided, single submitter. Criteria: Invitae Variant Classification Sherloc (09022015). Collection method: clinical testing. Allele origin: germline.
Comment: This sequence change falls in intron 32 of the NBAS gene. It does not directly change the encoded amino acid sequence of the NBAS protein. It affects a nucleotide within the consensus splice site. This variant is present in population databases (rs775699852, gnomAD 0.0009%). This variant has not been reported in the literature in individuals affected with NBAS-related conditions. Variants that disrupt the consensus splice site are a relatively common cause of aberrant splicing (PMID: 17576681, 9536098). Algorithms developed to predict the effect of sequence changes on RNA splicing suggest that this variant is not likely to affect RNA splicing. In summary, the available evidence is currently insufficient to determine the role of this variant in disease. Therefore, it has been classified as a Variant of Uncertain Significance.

Literature cited by the submitters: PubMed 17576681; PubMed 9536098.